The following is an entry in ClinVar:

ClinVar aggregate classification (germline): Uncertain significance (1 of 4 stars; one submission).

Allele frequency attached by ClinVar (database versions not stated): gnomAD exomes below 0.00001 and 0.00001; TOPMed below 0.00001; ExAC 0.00001; gnomAD 0.00001; 1000 Genomes Project 30x 0.00016; 1000 Genomes Project 0.00020.
gnomAD v4.1: 10 of 1,613,490 alleles (0.00062%); highest among the groups gnomAD compares: East Asian, 0.0045%; no homozygotes.

Submission:

GeneDx
Classification: Uncertain significance. Last evaluated: 2018-01-24. Review status: criteria provided, single submitter. Criteria: GeneDx Variant Classification (06012015). Collection method: clinical testing. Allele origin: germline. Affected: yes.
Comment: The R4547W variant, present in an alternate transcript of the DST gene, has not been reported previously as a pathogenic variant, nor as a benign variant, to our knowledge. This variant is not observed at a significant frequency in large population cohorts (Lek et al., 2016). The R4547W variant is a non-conservative amino acid substitution, which is likely to impact secondary protein structure as these residues differ in polarity, charge, size and/or other properties. In-silico analyses, including protein predictors and evolutionary conservation, support a deleterious effect. We interpret R4547W as a variant of uncertain significance.

NM_001374736.1(DST):c.21508C>T (p.Arg7170Trp)

Gene: DST (dystonin; minus strand). Cytogenetic location: 6p12.1.
Variant type: single nucleotide variant.
Coding change: c.21508C>T on transcript NM_001374736.1 (MANE Select); coding-DNA position 21508, C replaced by T.
Protein change: p.Arg7170Trp; replaces arginine 7170 with tryptophan.
Molecular consequence: missense variant.
Genome position (GRCh38, 1-based): chr6:56,482,073, G>A on the plus strand (C>T on the coding strand, the complement: DST is on the minus strand). VCF-style: chr6-56482073-G-A. GRCh37 (hg19) VCF-style: chr6-56346871-G-A.
Other names: c.15151C>T, p.Arg5051Trp (NM_001144769.5); c.14737C>T, p.Arg4913Trp (NM_001144770.2); c.21508C>T, p.Arg7170Trp (NM_001374722.1); c.20548C>T, p.Arg6850Trp (NM_001374729.1); c.14290C>T, p.Arg4764Trp (NM_001374730.1); c.21535C>T, p.Arg7179Trp (NM_001374734.1); c.14617C>T, p.Arg4873Trp (NM_001386100.1, NM_183380.4); c.13639C>T, p.Arg4547Trp (NM_015548.5); short protein forms R4547W, R4913W, R4873W, R5051W, R4764W, R6850W, R7170W, R7179W.
Identifiers: ClinVar variation 504101 (VCV000504101.1), dbSNP rs535961631, ClinGen allele CA3866458.
Genomic context (GRCh38, chr6:56,482,073, plus strand): 5'-CTAATTTAGCTTTACATAGCATTTATATATTACTCACTTTATGCTGATCAATGAGAGTCC[G>A]GAGAGCATCCTCATCATCTGGGAGGACACCATGGAAACGCAGGGTTTGCTCCGCCTCAGC-3'
Protein context (NP_001361665.1, residues 7160-7180): GVLPDDEDAL[Arg7170Trp]TLIDQHKEFM